The following is an entry in ClinVar:

NM_001267550.2(TTN):c.13510C>A (p.Gln4504Lys)

Gene: TTN (titin; minus strand). Cytogenetic location: 2q31.2.
Variant type: single nucleotide variant.
Coding change: c.13510C>A on transcript NM_001267550.2 (MANE Select); coding-DNA position 13510, C replaced by A.
Protein change: p.Gln4504Lys; replaces glutamine 4504 with lysine.
Molecular consequence: missense variant. On other transcripts: intron variant (1).
Genome position (GRCh38, 1-based): chr2:178,739,723, G>T on the plus strand (C>A on the coding strand, the complement: TTN is on the minus strand). VCF-style: chr2-178739723-G-T. GRCh37 (hg19) VCF-style: chr2-179604450-G-T.
Other names: c.12559C>A, p.Gln4187Lys (NM_001256850.1); c.12421C>A, p.Gln4141Lys (NM_003319.4); c.12796C>A, p.Gln4266Lys (NM_133432.3); c.12997C>A, p.Gln4333Lys (NM_133437.4); c.10361-1363C>A (NM_133378.4); short protein forms Q4504K, Q4141K, Q4266K, Q4333K, Q4187K.
Identifiers: ClinVar variation 466813 (VCV000466813.7), dbSNP rs761901186, ClinGen allele CA2002569.

ClinVar aggregate classification (germline): Uncertain significance. Review status: criteria provided, multiple submitters, no conflicts (2 of 4 stars). 2 submissions from 2 submitters: Uncertain significance (2). Last evaluated 2017-05-17.

Conditions:
Autosomal recessive limb-girdle muscular dystrophy type 2J (LGMDR10). Also called: Limb-girdle muscular dystrophy, type 2J; MUSCULAR DYSTROPHY, LIMB-GIRDLE, AUTOSOMAL RECESSIVE 10. Identifiers: Orphanet 140922, MedGen C1837342, MONDO:0012127, OMIM 608807.
Dilated cardiomyopathy 1G (CMD1G). Identifiers: Orphanet 154, MedGen C1858763, MONDO:0011400, OMIM 604145.
Cardiovascular phenotype. Identifiers: MedGen CN230736.

Allele frequency attached by ClinVar (database versions not stated): ExAC 0.00001; gnomAD 0.00001; gnomAD exomes 0.00001 and 0.00004; TOPMed 0.00001.
gnomAD v4.1: 60 of 1,613,754 alleles (0.0037%); highest among the groups gnomAD compares: Non-Finnish European, 0.0047%; no homozygotes.

Submissions (2):

Labcorp Genetics (formerly Invitae), Labcorp
Classification: Uncertain significance for Dilated cardiomyopathy 1G; Autosomal recessive limb-girdle muscular dystrophy type 2J. Last evaluated: 2017-05-17. Review status: criteria provided, single submitter. Criteria: Invitae Variant Classification Sherloc (09022015). Collection method: clinical testing. Allele origin: germline.

Ambry Genetics
Classification: Uncertain significance for Cardiovascular phenotype. Last evaluated: 2016-09-08. Review status: criteria provided, single submitter. Criteria: Ambry Variant Classification Scheme 2023. Collection method: clinical testing. Allele origin: germline.
Comment: The p.Q4141K variant (also known as c.12421C>A), located in coding exon 44 of the TTN gene, results from a C to A substitution at nucleotide position 12421. The glutamine at codon 4141 is replaced by lysine, an amino acid with similar properties. This alteration is located in the I-band region of the N2-B isoform of the titin protein. Based on data from ExAC, the A allele has an overall frequency of less than 0.01% (1/120700). This amino acid position is not well conserved in available vertebrate species. In addition, this alteration is predicted to be tolerated by in silico analysis. Since supporting evidence is limited at this time, the clinical significance of this alteration remains unclear.